The following is an entry in ClinVar:

NM_000393.5(COL5A2):c.4213T>G (p.Cys1405Gly)

Gene: COL5A2 (collagen type V alpha 2 chain; minus strand). Cytogenetic location: 2q32.2.
Variant type: single nucleotide variant.
Coding change: c.4213T>G on transcript NM_000393.5 (MANE Select); coding-DNA position 4213, T replaced by G.
Protein change: p.Cys1405Gly; replaces cysteine 1405 with glycine.
Molecular consequence: missense variant.
Genome position (GRCh38, 1-based): chr2:189,035,056, A>C on the plus strand (T>G on the coding strand, the complement: COL5A2 is on the minus strand). VCF-style: chr2-189035056-A-C. GRCh37 (hg19) VCF-style: chr2-189899782-A-C.
Other names: short protein forms C1405G.
Identifiers: ClinVar variation 993408 (VCV000993408.8), dbSNP rs1685415940, ClinGen allele CA349855089.

ClinVar aggregate classification (germline): Uncertain significance (1 of 4 stars; one submission).

Conditions:
Ehlers-Danlos syndrome, classic type, 2 (EDSCL2). Also called: Ehlers-Danlos syndrome type 2 (formerly); Ehlers-Danlos Syndrome, Classic Type, COL5A2-Related; Ehlers-Danlos syndrome, type 2. Identifiers: Orphanet 287, Orphanet 90318, MedGen C0268336, MONDO:0019568, OMIM 130010.

Submission:

ARUP Laboratories, Molecular Genetics and Genomics, ARUP Laboratories
Classification: Uncertain significance for Ehlers-Danlos syndrome, classic type, 2. Last evaluated: 2019-12-17. Review status: criteria provided, single submitter. Criteria: ARUP Molecular Germline Variant Investigation Process. Collection method: clinical testing. Allele origin: germline.
Comment: The COL5A2 c.4213T>G; p.Cys1405Gly variant, to our knowledge, is not reported in the medical literature or gene-specific databases. This variant is also absent from general population databases (Exome Variant Server, Genome Aggregation Database), indicating it is not a common polymorphism. The cysteine at codon 1405 is highly conserved, and computational analyses (SIFT, PolyPhen-2) predict that this variant is deleterious. However, due to limited information, the clinical significance of the p.Cys1405Gly variant is uncertain at this time.